The following is an entry in ClinVar:

ClinVar aggregate classification (germline): Uncertain significance (1 of 4 stars; one submission).

Conditions:
Hereditary cancer-predisposing syndrome. Also called: Neoplastic Syndromes, Hereditary; Hereditary Cancer Syndrome; Tumor predisposition; Hereditary neoplastic syndrome. Identifiers: Orphanet 140162, MedGen C0027672, MeSH D009386, MONDO:0015356.

Submission:

Ambry Genetics
Classification: Uncertain significance for Hereditary cancer-predisposing syndrome. Last evaluated: 2025-02-26. Review status: criteria provided, single submitter. Criteria: Ambry Variant Classification Scheme 2023. Collection method: clinical testing. Allele origin: germline.
Comment: The p.W1051C variant (also known as c.3153G>T), located in coding exon 18 of the PTCH1 gene, results from a G to T substitution at nucleotide position 3153. The tryptophan at codon 1051 is replaced by cysteine, an amino acid with highly dissimilar properties. This amino acid position is conserved. In addition, this alteration is predicted to be deleterious by in silico analysis. Based on the available evidence, the clinical significance of this variant remains unclear.

NM_000264.5(PTCH1):c.3153G>T (p.Trp1051Cys)

Gene: PTCH1 (patched 1; minus strand). Cytogenetic location: 9q22.32.
Variant type: single nucleotide variant.
Coding change: c.3153G>T on transcript NM_000264.5 (MANE Select); coding-DNA position 3153, G replaced by T.
Protein change: p.Trp1051Cys; replaces tryptophan 1051 with cysteine.
Molecular consequence: missense variant. On other transcripts: non-coding transcript variant (1).
Genome position (GRCh38, 1-based): chr9:95,458,028, C>A on the plus strand (G>T on the coding strand, the complement: PTCH1 is on the minus strand). VCF-style: chr9-95458028-C-A. GRCh37 (hg19) VCF-style: chr9-98220310-C-A.
Other names: c.2955G>T, p.Trp985Cys (NM_001083602.3); c.3150G>T, p.Trp1050Cys (NM_001083603.3); c.2700G>T, p.Trp900Cys (NM_001083604.3, NM_001083605.3, NM_001083606.3 and 1 more transcripts); c.2997G>T, p.Trp999Cys (NM_001354918.2); short protein forms W900C, W1051C, W985C, W1050C, W999C.
Identifiers: ClinVar variation 3784666 (VCV003784666.1).